The following continues an entry in ClinVar:

NM_004004.6(GJB2):c.368C>A (p.Thr123Asn)

Gene: GJB2. ClinVar aggregate classification (germline): Benign/Likely benign. Benign (3); Likely benign (8).

Submission 12 of 12:

Natera, Inc.
Classification: Likely benign for Autosomal recessive deafness type 1A. Last evaluated: 2020-04-03. Review status: no assertion criteria provided. Collection method: clinical testing. Allele origin: germline. Not counted in ClinVar's aggregate classification.

Literature cited by the submitters: PubMed 17366579 (cited by Women's Health and Genetics/Laboratory Corporation of America, LabCorp); PubMed 14985372 (cited by Women's Health and Genetics/Laboratory Corporation of America, LabCorp and Laboratory for Molecular Medicine, Mass General Brigham Personalized Medicine); PubMed 12560944 (cited by Women's Health and Genetics/Laboratory Corporation of America, LabCorp and Laboratory for Molecular Medicine, Mass General Brigham Personalized Medicine); PubMed 22613756 (cited by Women's Health and Genetics/Laboratory Corporation of America, LabCorp and Illumina Laboratory Services, Illumina); PubMed 12172394 (cited by Women's Health and Genetics/Laboratory Corporation of America, LabCorp); PubMed 10983956 (cited by 3 submitters); PubMed 19366456 (cited by 3 submitters); PubMed 12792423 (cited by 3 submitters); PubMed 17666888 (cited by Women's Health and Genetics/Laboratory Corporation of America, LabCorp); PubMed 20497192 (cited by 4 submitters); PubMed 22695344 (cited by Women's Health and Genetics/Laboratory Corporation of America, LabCorp); PubMed 22384008 (cited by Women's Health and Genetics/Laboratory Corporation of America, LabCorp); PubMed 20593197 (cited by Women's Health and Genetics/Laboratory Corporation of America, LabCorp); PubMed 21162657 (cited by Women's Health and Genetics/Laboratory Corporation of America, LabCorp); PubMed 19715472 (cited by Women's Health and Genetics/Laboratory Corporation of America, LabCorp); PubMed 24529908 (cited by Women's Health and Genetics/Laboratory Corporation of America, LabCorp and Illumina Laboratory Services, Illumina); PubMed 19775242 (cited by Women's Health and Genetics/Laboratory Corporation of America, LabCorp); PubMed 25493717 (cited by Women's Health and Genetics/Laboratory Corporation of America, LabCorp); PubMed 25262649 (cited by Women's Health and Genetics/Laboratory Corporation of America, LabCorp); PubMed 23826813 (cited by Women's Health and Genetics/Laboratory Corporation of America, LabCorp and Illumina Laboratory Services, Illumina); PubMed 25266519 (cited by Women's Health and Genetics/Laboratory Corporation of America, LabCorp); PubMed 26095810 (cited by Women's Health and Genetics/Laboratory Corporation of America, LabCorp); PubMed 28008688 (cited by Women's Health and Genetics/Laboratory Corporation of America, LabCorp); PubMed 28222800 (cited by Women's Health and Genetics/Laboratory Corporation of America, LabCorp); PubMed 27785406 (cited by Women's Health and Genetics/Laboratory Corporation of America, LabCorp); PubMed 27224056 (cited by Women's Health and Genetics/Laboratory Corporation of America, LabCorp); PubMed 27057829 (cited by Women's Health and Genetics/Laboratory Corporation of America, LabCorp); PubMed 27018795 (cited by Women's Health and Genetics/Laboratory Corporation of America, LabCorp); PubMed 30245029 (cited by Women's Health and Genetics/Laboratory Corporation of America, LabCorp); PubMed 28900111 (cited by Women's Health and Genetics/Laboratory Corporation of America, LabCorp); PubMed 26043044 (cited by Illumina Laboratory Services, Illumina); PubMed 23638949 (cited by Illumina Laboratory Services, Illumina); PubMed 24645897 (cited by Illumina Laboratory Services, Illumina); PubMed 15504600 (cited by Laboratory for Molecular Medicine, Mass General Brigham Personalized Medicine); PubMed 16380907 (cited by Laboratory for Molecular Medicine, Mass General Brigham Personalized Medicine); PubMed 15700112 (cited by Laboratory for Molecular Medicine, Mass General Brigham Personalized Medicine); PubMed 17041943 (cited by Laboratory for Molecular Medicine, Mass General Brigham Personalized Medicine); PubMed 19043807 (cited by Laboratory for Molecular Medicine, Mass General Brigham Personalized Medicine); PubMed 20607074 (cited by Laboratory for Molecular Medicine, Mass General Brigham Personalized Medicine).